The following is an entry in ClinVar:

ClinVar aggregate classification (germline): Uncertain significance. Review status: criteria provided, multiple submitters, no conflicts (2 of 4 stars). 2 submissions from 2 submitters: Uncertain significance (2). Last evaluated 2024-01-09.

Conditions:
Inborn genetic diseases. Identifiers: MedGen C0950123, MeSH D030342.

Allele frequency attached by ClinVar (database versions not stated): TOPMed 0.00001; gnomAD exomes 0.00002.
gnomAD v4.1: 14 of 1,600,452 alleles (0.00087%); highest among the groups gnomAD compares: Non-Finnish European, 0.0012%; no homozygotes.

Submissions (2):

Ambry Genetics
Classification: Uncertain significance for Inborn genetic diseases. Last evaluated: 2024-01-09. Review status: criteria provided, single submitter. Criteria: Ambry Variant Classification Scheme 2023. Collection method: clinical testing. Allele origin: germline.

Labcorp Genetics (formerly Invitae), Labcorp
Classification: Uncertain significance. Last evaluated: 2022-02-09. Review status: criteria provided, single submitter. Criteria: Invitae Variant Classification Sherloc (09022015). Collection method: clinical testing. Allele origin: germline.
Comment: This sequence change replaces alanine with proline at codon 27 of the VPS11 protein (p.Ala27Pro). The alanine residue is weakly conserved and there is a small physicochemical difference between alanine and proline. This variant is not present in population databases (gnomAD no frequency). This variant has not been reported in the literature in individuals affected with VPS11-related conditions. Experimental studies and prediction algorithms are not available or were not evaluated, and the functional significance of this variant is currently unknown. In summary, the available evidence is currently insufficient to determine the role of this variant in disease. Therefore, it has been classified as a Variant of Uncertain Significance.

NM_021729.6(VPS11):c.79G>C (p.Ala27Pro)

Gene: VPS11 (VPS11 core subunit of CORVET and HOPS complexes; plus strand). Cytogenetic location: 11q23.3.
Variant type: single nucleotide variant.
Coding change: c.79G>C on transcript NM_021729.6 (MANE Select); coding-DNA position 79, G replaced by C.
Protein change: p.Ala27Pro; replaces alanine 27 with proline.
Molecular consequence: missense variant. On other transcripts: 5 prime UTR variant (1), non-coding transcript variant (8).
Genome position (GRCh38, 1-based): chr11:119,067,902, G>C. VCF-style: chr11-119067902-G-C. GRCh37 (hg19) VCF-style: chr11-118938613-G-C.
Other names: c.-167G>C (NM_001290185.2); c.79G>C, p.Ala27Pro (NM_001378218.1, NM_001378219.1, NM_001378220.1); c.79G>C (NM_021729.4); short protein forms A27P.
Identifiers: ClinVar variation 1403396 (VCV001403396.5), dbSNP rs1945181863, ClinGen allele CA382959274.